The following continues an entry in ClinVar:

NM_001037171.2(ACOT9):c.934G>C (p.Glu312Gln)

Gene: ACOT9. ClinVar aggregate classification (germline): Benign.

Submissions 69 to 94 of 94:

Dr. Peter K. Rogan Lab, Western University
No classification provided (evidence only). Condition: Cholangiocarcinoma. Review status: no classification provided. Collection method: in vitro. Allele origin: not applicable. Functional consequence: cryptic splice site. Not counted in ClinVar's aggregate classification.

Dr. Peter K. Rogan Lab, Western University
No classification provided (evidence only). Condition: Gastric cancer. Review status: no classification provided. Collection method: in vitro. Allele origin: not applicable. Functional consequence: retained intron. Not counted in ClinVar's aggregate classification.

Dr. Peter K. Rogan Lab, Western University
No classification provided (evidence only). Condition: Gastric cancer. Review status: no classification provided. Collection method: in vitro. Allele origin: not applicable. Functional consequence: retained intron. Not counted in ClinVar's aggregate classification.

Dr. Peter K. Rogan Lab, Western University
No classification provided (evidence only). Condition: Gastric cancer. Review status: no classification provided. Collection method: in vitro. Allele origin: not applicable. Functional consequence: retained intron. Not counted in ClinVar's aggregate classification.

Dr. Peter K. Rogan Lab, Western University
No classification provided (evidence only). Condition: Gastric cancer. Review status: no classification provided. Collection method: in vitro. Allele origin: not applicable. Functional consequence: cryptic splice site, retained intron. Not counted in ClinVar's aggregate classification.

Dr. Peter K. Rogan Lab, Western University
No classification provided (evidence only). Condition: Gastric cancer. Review status: no classification provided. Collection method: in vitro. Allele origin: not applicable. Functional consequence: retained intron. Not counted in ClinVar's aggregate classification.

Dr. Peter K. Rogan Lab, Western University
No classification provided (evidence only). Condition: Gastric cancer. Review status: no classification provided. Collection method: in vitro. Allele origin: not applicable. Functional consequence: cryptic splice site, retained intron. Not counted in ClinVar's aggregate classification.

Dr. Peter K. Rogan Lab, Western University
No classification provided (evidence only). Condition: Gastric cancer. Review status: no classification provided. Collection method: in vitro. Allele origin: not applicable. Functional consequence: retained intron. Not counted in ClinVar's aggregate classification.

Dr. Peter K. Rogan Lab, Western University
No classification provided (evidence only). Condition: Gastric cancer. Review status: no classification provided. Collection method: in vitro. Allele origin: not applicable. Functional consequence: retained intron. Not counted in ClinVar's aggregate classification.

Dr. Peter K. Rogan Lab, Western University
No classification provided (evidence only). Condition: Gastric cancer. Review status: no classification provided. Collection method: in vitro. Allele origin: not applicable. Functional consequence: retained intron. Not counted in ClinVar's aggregate classification.

Dr. Peter K. Rogan Lab, Western University
No classification provided (evidence only). Condition: Adrenocortical carcinoma, hereditary. Review status: no classification provided. Collection method: in vitro. Allele origin: not applicable. Functional consequence: cryptic splice site, retained intron. Not counted in ClinVar's aggregate classification.

Dr. Peter K. Rogan Lab, Western University
No classification provided (evidence only). Condition: Uterine carcinosarcoma. Review status: no classification provided. Collection method: in vitro. Allele origin: not applicable. Functional consequence: retained intron. Not counted in ClinVar's aggregate classification.

Dr. Peter K. Rogan Lab, Western University
No classification provided (evidence only). Condition: Malignant tumor of esophagus. Review status: no classification provided. Collection method: in vitro. Allele origin: not applicable. Functional consequence: retained intron. Not counted in ClinVar's aggregate classification.

Dr. Peter K. Rogan Lab, Western University
No classification provided (evidence only). Condition: Malignant tumor of esophagus. Review status: no classification provided. Collection method: in vitro. Allele origin: not applicable. Functional consequence: cryptic splice site, retained intron. Not counted in ClinVar's aggregate classification.

Dr. Peter K. Rogan Lab, Western University
No classification provided (evidence only). Condition: Chronic lymphocytic leukemia/small lymphocytic lymphoma. Review status: no classification provided. Collection method: in vitro. Allele origin: not applicable. Functional consequence: skipped exon, retained intron. Not counted in ClinVar's aggregate classification.

Dr. Peter K. Rogan Lab, Western University
No classification provided (evidence only). Condition: Chronic lymphocytic leukemia/small lymphocytic lymphoma. Review status: no classification provided. Collection method: in vitro. Allele origin: not applicable. Functional consequence: retained intron. Not counted in ClinVar's aggregate classification.

Dr. Peter K. Rogan Lab, Western University
No classification provided (evidence only). Condition: Chronic lymphocytic leukemia/small lymphocytic lymphoma. Review status: no classification provided. Collection method: in vitro. Allele origin: not applicable. Functional consequence: skipped exon, retained intron. Not counted in ClinVar's aggregate classification.

Dr. Peter K. Rogan Lab, Western University
No classification provided (evidence only). Condition: Familial pancreatic carcinoma. Review status: no classification provided. Collection method: in vitro. Allele origin: not applicable. Functional consequence: retained intron. Not counted in ClinVar's aggregate classification.

Dr. Peter K. Rogan Lab, Western University
No classification provided (evidence only). Condition: Lymphoma. Review status: no classification provided. Collection method: in vitro. Allele origin: not applicable. Functional consequence: retained intron. Not counted in ClinVar's aggregate classification.

Dr. Peter K. Rogan Lab, Western University
No classification provided (evidence only). Condition: Lymphoma. Review status: no classification provided. Collection method: in vitro. Allele origin: not applicable. Functional consequence: skipped exon, retained intron. Not counted in ClinVar's aggregate classification.

Dr. Peter K. Rogan Lab, Western University
No classification provided (evidence only). Condition: Lymphoma. Review status: no classification provided. Collection method: in vitro. Allele origin: not applicable. Functional consequence: retained intron. Not counted in ClinVar's aggregate classification.

Dr. Peter K. Rogan Lab, Western University
No classification provided (evidence only). Condition: Lymphoma. Review status: no classification provided. Collection method: in vitro. Allele origin: not applicable. Functional consequence: retained intron. Not counted in ClinVar's aggregate classification.

Dr. Peter K. Rogan Lab, Western University
No classification provided (evidence only). Condition: Lymphoma. Review status: no classification provided. Collection method: in vitro. Allele origin: not applicable. Functional consequence: retained intron. Not counted in ClinVar's aggregate classification.

Dr. Peter K. Rogan Lab, Western University
No classification provided (evidence only). Condition: Ovarian cancer. Review status: no classification provided. Collection method: in vitro. Allele origin: not applicable. Functional consequence: retained intron. Not counted in ClinVar's aggregate classification.

Dr. Peter K. Rogan Lab, Western University
No classification provided (evidence only). Condition: Ovarian cancer. Review status: no classification provided. Collection method: in vitro. Allele origin: not applicable. Functional consequence: skipped exon, retained intron. Not counted in ClinVar's aggregate classification.

Dr. Peter K. Rogan Lab, Western University
No classification provided (evidence only). Condition: Ovarian cancer. Review status: no classification provided. Collection method: in vitro. Allele origin: not applicable. Functional consequence: skipped exon, retained intron. Not counted in ClinVar's aggregate classification.